The following is an entry in ClinVar:

NM_004655.4(AXIN2):c.1594G>A (p.Glu532Lys)

Gene: AXIN2 (axin 2; minus strand). Cytogenetic location: 17q24.1.
Variant type: single nucleotide variant.
Coding change: c.1594G>A on transcript NM_004655.4 (MANE Select); coding-DNA position 1594, G replaced by A.
Protein change: p.Glu532Lys; replaces glutamic acid 532 with lysine.
Molecular consequence: missense variant.
Genome position (GRCh38, 1-based): chr17:65,537,442, C>T on the plus strand (G>A on the coding strand, the complement: AXIN2 is on the minus strand). VCF-style: chr17-65537442-C-T. GRCh37 (hg19) VCF-style: chr17-63533560-C-T.
Other names: c.1594G>A, p.Glu532Lys (NM_001363813.1); short protein forms E532K.
Identifiers: ClinVar variation 1061406 (VCV001061406.15), dbSNP rs755551294, ClinGen allele CA8718607.

ClinVar aggregate classification (germline): Uncertain significance. Review status: criteria provided, multiple submitters, no conflicts (2 of 4 stars). 5 submissions from 5 submitters: Uncertain significance (5). Last evaluated 2025-11-10.

Conditions:
Oligodontia-cancer predisposition syndrome. Also called: TOOTH AGENESIS-COLORECTAL CANCER SYNDROME. Identifiers: Orphanet 300576, MedGen C1837750, MONDO:0012075, OMIM 608615. Disease mechanism: loss of function.
Colorectal cancer. Also called: Malignant Colorectal Neoplasm; Colorectal cancer, somatic. Identifiers: MedGen C0346629, MONDO:0005575, OMIM 114500.
Hereditary cancer-predisposing syndrome. Also called: Hereditary Cancer Syndrome; Tumor predisposition; Hereditary neoplastic syndrome; Neoplastic Syndromes, Hereditary. Identifiers: Orphanet 140162, MedGen C0027672, MeSH D009386, MONDO:0015356.

Allele frequency attached by ClinVar (database versions not stated): gnomAD exomes below 0.00001; ExAC 0.00001; gnomAD 0.00003.

Submissions (5):

Labcorp Genetics (formerly Invitae), Labcorp
Classification: Uncertain significance for Oligodontia-cancer predisposition syndrome. Last evaluated: 2025-11-10. Review status: criteria provided, single submitter. Criteria: Invitae Variant Classification Sherloc (09022015). Collection method: clinical testing. Allele origin: germline.
Comment: This sequence change replaces glutamic acid, which is acidic and polar, with lysine, which is basic and polar, at codon 532 of the AXIN2 protein (p.Glu532Lys). This variant is present in population databases (rs755551294, gnomAD 0.004%). This variant has not been reported in the literature in individuals affected with AXIN2-related conditions. ClinVar contains an entry for this variant (Variation ID: 1061406). Invitae Evidence Modeling of protein sequence and biophysical properties (such as structural, functional, and spatial information, amino acid conservation, physicochemical variation, residue mobility, and thermodynamic stability) indicates that this missense variant is expected to disrupt AXIN2 protein function with a positive predictive value of 80%. In summary, the available evidence is currently insufficient to determine the role of this variant in disease. Therefore, it has been classified as a Variant of Uncertain Significance.

Blueprint Genetics
Classification: Uncertain significance. Last evaluated: 2024-10-11. Review status: criteria provided, single submitter. Criteria: ACMG Guidelines, 2015. Collection method: clinical testing. Allele origin: germline.

Quest Diagnostics Nichols Institute San Juan Capistrano
Classification: Uncertain significance. Last evaluated: 2024-05-06. Review status: criteria provided, single submitter. Criteria: Quest Diagnostics criteria. Collection method: clinical testing. Allele origin: unknown.
Comment: The AXIN2 c.1594G>A (p.Glu532Lys) variant has not been reported in individuals with AXIN2-related conditions in the published literature. The frequency of this variant in the general population, 0.0000071 (2/282780 chromosomes (Genome Aggregation Database)), is uninformative in the assessment of its pathogenicity. Analysis of this variant using bioinformatics tools for the prediction of the effect of amino acid changes on protein structure and function yielded predictions that this variant is damaging. Based on the available information, we are unable to determine the clinical significance of this variant.

Ambry Genetics
Classification: Uncertain significance for Hereditary cancer-predisposing syndrome. Last evaluated: 2024-04-30. Review status: criteria provided, single submitter. Criteria: Ambry Variant Classification Scheme 2023. Collection method: clinical testing. Allele origin: germline.
Comment: The p.E532K variant (also known as c.1594G>A), located in coding exon 5 of the AXIN2 gene, results from a G to A substitution at nucleotide position 1594. The glutamic acid at codon 532 is replaced by lysine, an amino acid with similar properties. This amino acid position is highly conserved in available vertebrate species. In addition, the in silico prediction for this alteration is inconclusive. Since supporting evidence is limited at this time, the clinical significance of this alteration remains unclear.

Baylor Genetics
Classification: Uncertain significance for Colorectal cancer. Last evaluated: 2023-08-25. Review status: criteria provided, single submitter. Criteria: ACMG Guidelines, 2015. Collection method: clinical testing. Allele origin: unknown.